The following is an entry in ClinVar:

ClinVar aggregate classification (germline): Benign/Likely benign. Review status: criteria provided, multiple submitters, no conflicts (2 of 4 stars). 13 submissions from 13 submitters: Benign (6); Likely benign (2). 5 of the submissions do not count toward it. Last evaluated 2026-02-03.

Conditions:
Cardiomyopathy (CMYO). Also called: Cardiomyopathies. Identifiers: Orphanet 167848, MedGen C0878544, MONDO:0004994, HP:0001638. Inheritance: Various modes of inheritance.
Hypertrophic cardiomyopathy 10. Also called: MYL2-Related Familial Hypertrophic Cardiomyopathy; CARDIOMYOPATHY, HYPERTROPHIC, MID-LEFT VENTRICULAR CHAMBER TYPE, 2. Identifiers: MedGen C1834460, MONDO:0012112, OMIM 608758.
Hypertrophic cardiomyopathy. Also called: HYPERTROPHIC MYOCARDIOPATHY. Identifiers: Orphanet 217569, MedGen C0007194, MeSH D002312, MONDO:0005045, HP:0001639.

Allele frequency attached by ClinVar (database versions not stated): gnomAD exomes 0.00041 and 0.00086; ExAC 0.00106; 1000 Genomes Project 0.00240; 1000 Genomes Project 30x 0.00312; ESP Exome Variant Server 0.00331; gnomAD 0.00365 and 0.00399; TOPMed 0.00411.

Submissions (13):

Labcorp Genetics (formerly Invitae), Labcorp
Classification: Benign for Hypertrophic cardiomyopathy 10. Last evaluated: 2026-02-03. Review status: criteria provided, single submitter. Criteria: Invitae Variant Classification Sherloc (09022015). Collection method: clinical testing. Allele origin: germline.

Molecular Diagnostic Laboratory for Inherited Cardiovascular Disease, Montreal Heart Institute
Classification: Benign. Last evaluated: 2025-04-09. Review status: criteria provided, single submitter. Criteria: ACMG Guidelines, 2015. Collection method: clinical testing. Allele origin: germline. Affected: no.

CeGaT Center for Human Genetics Tuebingen
Classification: Likely benign. Last evaluated: 2025-04-01. Review status: criteria provided, single submitter. Criteria: CeGaT Center For Human Genetics Tuebingen Variant Classification Criteria Version 2. Collection method: clinical testing. Allele origin: germline. Affected: yes. Observed: 1 variant allele.
Comment: MYL2: BS1

Blueprint Genetics
Classification: Likely benign. Last evaluated: 2024-10-08. Review status: criteria provided, single submitter. Criteria: ACMG Guidelines, 2015. Collection method: clinical testing. Allele origin: germline.

Women's Health and Genetics/Laboratory Corporation of America, LabCorp
Classification: Benign. Last evaluated: 2019-11-18. Review status: criteria provided, single submitter. Criteria: LabCorp Variant Classification Summary - May 2015. Collection method: clinical testing. Allele origin: germline.
Comment: Variant summary: MYL2 c.170-19T>C alters a non-conserved nucleotide located close to a canonical splice site and therefore could affect mRNA splicing, leading to a significantly altered protein sequence. 5/5 computational tools predict no significant impact on normal splicing. However, these predictions have yet to be confirmed by functional studies. The variant allele was found at a frequency of 0.0012 in 282524 control chromosomes, predominantly at a frequency of 0.013 within the African or African-American subpopulation in the gnomAD database, including 1 homozygote. The observed variant frequency within African or African-American control individuals in the gnomAD database is approximately 170 fold of the estimated maximal expected allele frequency for a pathogenic variant in MYL2 causing Hypertrophic Cardiomyopathy phenotype (7.5e-05), strongly suggesting that the variant is a benign polymorphism. To our knowledge, no occurrence of c.170-19T>C in individuals affected with Hypertrophic Cardiomyopathy and no experimental evidence demonstrating its impact on protein function have been reported. Two other clinical diagnostic laboratories have submitted clinical-significance assessments for this variant to ClinVar after 2014 without evidence for independent evaluation, and both of them classified the variant as benign. Based on the evidence outlined above, the variant was classified as benign.

Center for Advanced Laboratory Medicine, UC San Diego Health, University of California San Diego
Classification: Benign for Cardiomyopathy. Last evaluated: 2019-04-17. Review status: criteria provided, single submitter. Criteria: ACMG Guidelines, 2015. Collection method: clinical testing. Allele origin: germline. Affected: yes. Observed: 1 variant allele.

Clinical Genetics DNA and cytogenetics Diagnostics Lab, Erasmus MC, Erasmus Medical Center
Classification: Benign for Hypertrophic cardiomyopathy 10. Last evaluated: 2015-09-21. Review status: criteria provided, single submitter. Criteria: ACGS Guidelines, 2013. Collection method: clinical testing. Allele origin: germline. Affected: yes. Study: VKGL Data-share Consensus.

GeneDx
Classification: Benign. Last evaluated: 2015-03-03. Review status: criteria provided, single submitter. Criteria: GeneDx Variant Classification Process June 2021. Collection method: clinical testing. Allele origin: germline. Affected: yes.

Cohesion Phenomics
Classification: Benign for Hypertrophic Cardiomyopathy. Last evaluated: 2022-10-10. Review status: no assertion criteria provided. Criteria: ACMG Guidelines, 2015. Collection method: clinical testing. Allele origin: germline. Affected: yes. Not counted in ClinVar's aggregate classification.

Clinical Genetics, Academic Medical Center
Classification: Benign. Review status: no assertion criteria provided. Collection method: clinical testing. Allele origin: germline. Affected: yes. Study: VKGL Data-share Consensus. Not counted in ClinVar's aggregate classification.

Diagnostic Laboratory, Department of Genetics, University Medical Center Groningen
Classification: Likely benign for Hypertrophic cardiomyopathy 10. Review status: no assertion criteria provided. Collection method: clinical testing. Allele origin: germline. Affected: yes. Study: VKGL Data-share Consensus. Not counted in ClinVar's aggregate classification.

Genome Diagnostics Laboratory, University Medical Center Utrecht
Classification: Benign. Review status: no assertion criteria provided. Collection method: clinical testing. Allele origin: germline. Affected: yes. Study: VKGL Data-share Consensus. Not counted in ClinVar's aggregate classification.

Joint Genome Diagnostic Labs from Nijmegen and Maastricht, Radboudumc and MUMC+
Classification: Benign. Review status: no assertion criteria provided. Collection method: clinical testing. Allele origin: germline. Affected: yes. Study: VKGL Data-share Consensus. Not counted in ClinVar's aggregate classification.

NM_000432.4(MYL2):c.170-19T>C

Gene: MYL2 (myosin light chain 2; minus strand). Cytogenetic location: 12q24.11.
Variant type: single nucleotide variant.
Coding change: c.170-19T>C on transcript NM_000432.4 (MANE Select); 19 bases into the intron before coding-DNA position 170, T replaced by C.
Molecular consequence: intron variant.
Genome position (GRCh38, 1-based): chr12:110,914,309, A>G on the plus strand (T>C on the coding strand, the complement: MYL2 is on the minus strand). VCF-style: chr12-110914309-A-G. GRCh37 (hg19) VCF-style: chr12-111352113-A-G.
Identifiers: ClinVar variation 36643 (VCV000036643.47), dbSNP rs115522476, ClinGen allele CA009904.
Genomic context (GRCh38, chr12:110,914,309, plus strand): 5'-TGATCATTTCATCAATTTCTTCATTTTTCACGTTCACTCGCCCTAGGGTAGGAAACACAC[A>G]CTCAGGGACTCCGAGCTGGGGAGAAAGAACCATTATGACACTGCCATTGGCTCCTGGGAT-3'